The following is an entry in ClinVar:

NM_001379500.1(COL18A1):c.5C>T (p.Ala2Val)

Genes: BNAT1 (breast cancer associated ESR1 regulating natural antisense transcript 1; minus strand), COL18A1 (collagen type XVIII alpha 1 chain; plus strand). Cytogenetic location: 21q22.3.
Variant type: single nucleotide variant.
Coding change: c.5C>T on transcript NM_001379500.1 (MANE Select); coding-DNA position 5, C replaced by T.
Protein change: p.Ala2Val; replaces alanine 2 with valine.
Molecular consequence: missense variant.
Genome position (GRCh38, 1-based): chr21:45,405,235, C>T. VCF-style: chr21-45405235-C-T. GRCh37 (hg19) VCF-style: chr21-46825150-C-T.
Other names: short protein forms A2V.
Identifiers: ClinVar variation 1472015 (VCV001472015.6), dbSNP rs1329716693, ClinGen allele CA410620218.

ClinVar aggregate classification (germline): Uncertain significance (1 of 4 stars; one submission).

gnomAD v4.1: 3 of 111,926 alleles (0.0027%); highest among the groups gnomAD compares: African/African-American, 0.009%; no homozygotes.

Submission:

Labcorp Genetics (formerly Invitae), Labcorp
Classification: Uncertain significance. Last evaluated: 2022-02-09. Review status: criteria provided, single submitter. Criteria: Invitae Variant Classification Sherloc (09022015). Collection method: clinical testing. Allele origin: germline.
Comment: This variant has not been reported in the literature in individuals affected with COL18A1-related conditions. In summary, the available evidence is currently insufficient to determine the role of this variant in disease. Therefore, it has been classified as a Variant of Uncertain Significance. Experimental studies and prediction algorithms are not available or were not evaluated, and the functional significance of this variant is currently unknown. This variant is not present in population databases (gnomAD no frequency). This sequence change replaces alanine, which is neutral and non-polar, with valine, which is neutral and non-polar, at codon 2 of the COL18A1 protein (p.Ala2Val).